The following is an entry in ClinVar:

ClinVar aggregate classification (germline): Benign/Likely benign. Review status: criteria provided, multiple submitters, no conflicts (2 of 4 stars). 3 submissions from 3 submitters: Benign (1); Likely benign (2). Last evaluated 2018-06-26.

Conditions:
Nail-patella syndrome (NPS). Also called: FONG DISEASE; ONYCHOOSTEODYSPLASIA; TURNER-KIESER SYNDROME. Identifiers: Orphanet 2614, MedGen C0027341, MONDO:0008061, OMIM 161200.

Allele frequency attached by ClinVar (database versions not stated): gnomAD exomes 0.00383; 1000 Genomes Project 30x 0.01405; 1000 Genomes Project 0.01418; gnomAD 0.01466 and 0.01560; TOPMed 0.01617.
gnomAD v4.1: 6,146 of 1,143,208 alleles (0.54%); highest among the groups gnomAD compares: African/African-American, 4.4%; 78 homozygotes.

Submissions (3):

GeneDx
Classification: Likely benign. Last evaluated: 2018-06-26. Review status: criteria provided, single submitter. Criteria: GeneDx Variant Classification Process June 2021. Collection method: clinical testing. Allele origin: germline. Affected: yes.

Illumina Laboratory Services, Illumina
Classification: Benign for Nail-patella syndrome. Last evaluated: 2018-01-13. Review status: criteria provided, single submitter. Criteria: ICSL Variant Classification Criteria 13 December 2019. Collection method: clinical testing. Allele origin: germline.
Comment: This variant was observed in the ICSL laboratory as part of a predisposition screen in an ostensibly healthy population. It had not been previously curated by ICSL or reported in the Human Gene Mutation Database (HGMD: prior to June 1st, 2018), and was therefore a candidate for classification through an automated scoring system. Utilizing variant allele frequency, disease prevalence and penetrance estimates, and inheritance mode, an automated score was calculated to assess if this variant is too frequent to cause the disease. Based on the score and internal cut-off values, a variant classified as benign is not then subjected to further curation. The score for this variant resulted in a classification of benign for this disease.

Breakthrough Genomics
Classification: Likely benign. Review status: criteria provided, single submitter. Criteria: ACMG Guidelines, 2015. Collection method: not provided. Allele origin: germline. Inheritance: Autosomal dominant inheritance. Affected: yes.

NM_001174147.2(LMX1B):c.*127C>T

Gene: LMX1B (LIM homeobox transcription factor 1 beta; plus strand). Cytogenetic location: 9q33.3.
Variant type: single nucleotide variant.
Coding change: c.*127C>T on transcript NM_001174147.2 (MANE Select); 127 bases downstream of the stop codon, C replaced by T.
Molecular consequence: 3 prime UTR variant.
Genome position (GRCh38, 1-based): chr9:126,696,578, C>T. VCF-style: chr9-126696578-C-T. GRCh37 (hg19) VCF-style: chr9-129458857-C-T.
Other names: c.*127C>T (NM_001174146.2, NM_002316.4).
Identifiers: ClinVar variation 364895 (VCV000364895.9), dbSNP rs113846301, ClinGen allele CA10632265.